The following is an entry in ClinVar:

NM_001292063.2(OTOG):c.997-35A>C

Gene: OTOG (otogelin; plus strand). Cytogenetic location: 11p15.1.
Variant type: single nucleotide variant.
Coding change: c.997-35A>C on transcript NM_001292063.2 (MANE Select); 35 bases into the intron before coding-DNA position 997, A replaced by C.
Molecular consequence: intron variant.
Genome position (GRCh38, 1-based): chr11:17,558,503, A>C. VCF-style: chr11-17558503-A-C. GRCh37 (hg19) VCF-style: chr11-17580050-A-C.
Other names: c.1033-35A>C (NM_001277269.2).
Identifiers: ClinVar variation 682654 (VCV000682654.2), dbSNP rs7130051, ClinGen allele CA5905428.
Genomic context (GRCh38, chr11:17,558,503, plus strand): 5'-CCTCTCCCTCTCCCCACAGCTCAAGTTGGGGTTCTGTGTGGGGCTGTGTGTGGCTTTGCC[A>C]GCCCCTAGCCCTGGCTCCTGGTCCCTTGCTCTAGGGCGTGTACGAGCAGTGTGAGGCTCT-3'

ClinVar aggregate classification (germline): Benign. Review status: criteria provided, multiple submitters, no conflicts (2 of 4 stars). 2 submissions from 2 submitters: Benign (2). Last evaluated 2018-06-14.

Allele frequency attached by ClinVar (database versions not stated): gnomAD exomes 0.13409 and 0.15639; 1000 Genomes Project 30x 0.13413; gnomAD 0.17409 and 0.17975; ExAC 0.13300; 1000 Genomes Project 0.13339; TOPMed 0.17816.
gnomAD v4.1: 245,011 of 1,548,478 alleles (16%); highest among the groups gnomAD compares: African/African-American, 25%; 20,754 homozygotes.

Submissions (2):

GeneDx
Classification: Benign. Last evaluated: 2018-06-14. Review status: criteria provided, single submitter. Criteria: GeneDx Variant Classification (06012015). Collection method: clinical testing. Allele origin: germline. Affected: yes.
Comment: This variant is considered likely benign or benign based on one or more of the following criteria: it is a conservative change, it occurs at a poorly conserved position in the protein, it is predicted to be benign by multiple in silico algorithms, and/or has population frequency not consistent with disease.

Breakthrough Genomics
Classification: Benign. Review status: criteria provided, single submitter. Criteria: ACMG Guidelines, 2015. Collection method: not provided. Allele origin: germline. Inheritance: Autosomal recessive inheritance. Affected: yes.